The following is an entry in ClinVar:

ClinVar aggregate classification (germline): Pathogenic (1 of 4 stars; one submission).

Allele frequency attached by ClinVar (database versions not stated): gnomAD exomes below 0.00001.
gnomAD v4.1: 1 of 1,612,966 alleles (0.000062%); highest among the groups gnomAD compares: Non-Finnish European, 0.000085%; no homozygotes.

Submission:

Labcorp Genetics (formerly Invitae), Labcorp
Classification: Pathogenic. Last evaluated: 2023-12-28. Review status: criteria provided, single submitter. Criteria: Invitae Variant Classification Sherloc (09022015). Collection method: clinical testing. Allele origin: germline.
Comment: This sequence change creates a premature translational stop signal (p.Trp208*) in the FLNB gene. It is expected to result in an absent or disrupted protein product. Loss-of-function variants in FLNB are known to be pathogenic (PMID: 14991055). This variant is not present in population databases (gnomAD no frequency). This variant has not been reported in the literature in individuals affected with FLNB-related conditions. For these reasons, this variant has been classified as Pathogenic.

Literature cited by the submitters: PubMed 14991055.

NM_001457.4(FLNB):c.623G>A (p.Trp208Ter)

Gene: FLNB (filamin B; plus strand). Cytogenetic location: 3p14.3.
Variant type: single nucleotide variant.
Coding change: c.623G>A on transcript NM_001457.4 (MANE Select); coding-DNA position 623, G replaced by A.
Protein change: p.Trp208Ter; replaces tryptophan 208 with a stop codon.
Molecular consequence: nonsense.
Genome position (GRCh38, 1-based): chr3:58,078,798, G>A. VCF-style: chr3-58078798-G-A. GRCh37 (hg19) VCF-style: chr3-58064525-G-A.
Other names: c.623G>A, p.Trp208Ter (NM_001164317.2, NM_001164318.2, NM_001164319.2); short protein forms W208*.
Identifiers: ClinVar variation 2706113 (VCV002706113.3), dbSNP rs2470996526, ClinGen allele CA353333940.
Genomic context (GRCh38, chr3:58,078,798, plus strand): 5'-CCTGGGACCCGCAGAAGCCTGTGGATAATGCACGAGAAGCCATGCAGCAGGCAGATGACT[G>A]GCTGGGTGTCCCACAGGTATGCACAAGTGTGCCAGGTCCTGTGAGGCTGCCCCCACCCAC-3'